The following is an entry in ClinVar:

ClinVar aggregate classification (germline): Conflicting classifications of pathogenicity. Review status: criteria provided, conflicting classifications (1 of 4 stars). 5 submissions from 5 submitters: Likely pathogenic (3); Uncertain significance (1). 1 of the submissions does not count toward it. Last evaluated 2025-06-24.

Conditions:
Cardiovascular phenotype. Identifiers: MedGen CN230736.
Charcot-Marie-Tooth disease type 2. Also called: Charcot-Marie-Tooth type 2. Identifiers: Orphanet 64746, MedGen C0270914, MONDO:0018993.

Submissions (5):

Ambry Genetics
Classification: Likely pathogenic for Cardiovascular phenotype. Last evaluated: 2025-06-24. Review status: criteria provided, single submitter. Criteria: Ambry Variant Classification Scheme 2023. Collection method: clinical testing. Allele origin: germline.
Comment: The p.I210S variant (also known as c.629T>G), located in coding exon 3 of the LMNA gene, results from a T to G substitution at nucleotide position 629. The isoleucine at codon 210 is replaced by serine, an amino acid with dissimilar properties. This variant was reported in individual(s) with features consistent with LMNA-related laminopathy (Parks SB et al. Am Heart J, 2008 Jul;156:161-9; Castrini AI et al. J Am Heart Assoc, 2022 Apr;11:e024960; external communication; Ambry internal data). Based on internal structural analysis, this variant is anticipated to result in a significant decrease in structural stability (Ambry internal data). This variant is considered to be rare based on population cohorts in the Genome Aggregation Database (gnomAD). This amino acid position is well conserved in available vertebrate species. In addition, this alteration is predicted to be deleterious by in silico analysis. Based on the majority of available evidence to date, this variant is likely to be pathogenic.

Labcorp Genetics (formerly Invitae), Labcorp
Classification: Likely pathogenic for Charcot-Marie-Tooth disease type 2. Last evaluated: 2025-02-27. Review status: criteria provided, single submitter. Criteria: Invitae Variant Classification Sherloc (09022015). Collection method: clinical testing. Allele origin: germline.
Comment: This sequence change replaces isoleucine, which is neutral and non-polar, with serine, which is neutral and polar, at codon 210 of the LMNA protein (p.Ile210Ser). This variant is not present in population databases (gnomAD no frequency). This missense change has been observed in individuals with arrhythmogenic cardiomyopathy (PMID: 38254962; internal data). ClinVar contains an entry for this variant (Variation ID: 48072). Invitae Evidence Modeling of protein sequence and biophysical properties (such as structural, functional, and spatial information, amino acid conservation, physicochemical variation, residue mobility, and thermodynamic stability) indicates that this missense variant is expected to disrupt LMNA protein function with a positive predictive value of 95%. Experimental studies have shown that this missense change affects LMNA function (PMID: 20160190, 34862408). In summary, the currently available evidence indicates that the variant is pathogenic, but additional data are needed to prove that conclusively. Therefore, this variant has been classified as Likely Pathogenic.

Molecular Diagnostic Laboratory for Inherited Cardiovascular Disease, Montreal Heart Institute
Classification: Likely pathogenic for Cardiovascular phenotype. Last evaluated: 2024-10-30. Review status: criteria provided, single submitter. Criteria: ACMG Guidelines, 2015. Collection method: clinical testing. Allele origin: germline. Affected: yes.
Comment: PM2, PS3_supp, PS4_supp, PP2, PP3

Laboratory for Molecular Medicine, Mass General Brigham Personalized Medicine
Classification: Uncertain significance. Last evaluated: 2013-11-01. Review status: criteria provided, single submitter. Criteria: LMM Criteria. Collection method: clinical testing. Allele origin: germline. Observed: 2 variant alleles.
Comment: Variant classified as Uncertain Significance - Favor Pathogenic. In addition, function al studies have shown that this variant impacts protein function (Cowan 2010). H owever, this in vitro assay may not accurately represent biological function. Th is variant was absent from large population studies. Computational analyses (bio chemical amino acid properties, conservation, AlignGVGD, PolyPhen2, and SIFT) su ggest that this variant may impact the protein, though this information is not p redictive enough to determine pathogenicity. In summary, while the presence in a ffected individuals, functional studies, and low frequency all suggest that the Ile210Ser variant may be pathogenic, additional studies are needed to fully asse ss its clinical significance.

Epithelial Biology;  Institute of Medical Biology, Singapore
No classification provided. Review status: no classification provided. Collection method: not provided. Allele origin: not provided. Not counted in ClinVar's aggregate classification.

Literature cited by the submitters: PubMed 18585512 (cited by Ambry Genetics and Laboratory for Molecular Medicine, Mass General Brigham Personalized Medicine); PubMed 35434999 (cited by Ambry Genetics); PubMed 38254962 (cited by Labcorp Genetics (formerly Invitae), Labcorp); PubMed 20160190 (cited by Labcorp Genetics (formerly Invitae), Labcorp and Laboratory for Molecular Medicine, Mass General Brigham Personalized Medicine); PubMed 34862408 (cited by Labcorp Genetics (formerly Invitae), Labcorp).

NM_170707.4(LMNA):c.629T>G (p.Ile210Ser)

Gene: LMNA (lamin A/C; plus strand). Cytogenetic location: 1q22.
Variant type: single nucleotide variant.
Coding change: c.629T>G on transcript NM_170707.4 (MANE Select); coding-DNA position 629, T replaced by G.
Protein change: p.Ile210Ser; replaces isoleucine 210 with serine.
Molecular consequence: missense variant.
Genome position (GRCh38, 1-based): chr1:156,134,518, T>G. VCF-style: chr1-156134518-T-G. GRCh37 (hg19) VCF-style: chr1-156104309-T-G.
Other names: c.629T>G (NM_170707.3); c.293T>G, p.Ile98Ser (NM_001257374.3); c.386T>G, p.Ile129Ser (NM_001282624.2); c.629T>G, p.Ile210Ser (NM_001282625.2, NM_001282626.2, NM_005572.4 and 1 more transcripts); short protein forms I210S, I129S, I98S.
Identifiers: ClinVar variation 48072 (VCV000048072.8), dbSNP rs267607572, ClinGen allele CA018335.